The following is an entry in ClinVar:

NM_007186.6(CEP250):c.5152A>G (p.Lys1718Glu)

Gene: CEP250 (centrosomal protein 250; plus strand). Cytogenetic location: 20q11.22.
Variant type: single nucleotide variant.
Coding change: c.5152A>G on transcript NM_007186.6 (MANE Select); coding-DNA position 5152, A replaced by G.
Protein change: p.Lys1718Glu; replaces lysine 1718 with glutamic acid.
Molecular consequence: missense variant.
Genome position (GRCh38, 1-based): chr20:35,503,521, A>G. VCF-style: chr20-35503521-A-G. GRCh37 (hg19) VCF-style: chr20-34091349-A-G.
Other names: c.3256A>G, p.Lys1086Glu (NM_001318219.1); c.5152A>G (NM_007186.3); short protein forms K1086E, K1718E.
Identifiers: ClinVar variation 1018233 (VCV001018233.8), dbSNP rs2064082273, ClinGen allele CA408750486.
Genomic context (GRCh38, chr20:35,503,521, plus strand): 5'-GAGCTGACCACTCAGAGGCAGCTGATGCAGGAACGGGCAGAGGAAGGGAAGGGCCCAAGT[A>G]AAGCACAGCGCGGGAGCCTAGAGCACATGAAGCTGATCCTGCGTGATAAGGAGAAGGAGG-3'
Protein context (NP_009117.2, residues 1708-1728): ERAEEGKGPS[Lys1718Glu]AQRGSLEHMK

ClinVar aggregate classification (germline): Uncertain significance. Review status: criteria provided, multiple submitters, no conflicts (2 of 4 stars). 2 submissions from 2 submitters: Uncertain significance (2). Last evaluated 2025-10-22.

gnomAD v4.1: 1 of 1,614,156 alleles (0.000062%); no homozygotes.

Submissions (2):

Ambry Genetics
Classification: Uncertain significance. Last evaluated: 2025-10-22. Review status: criteria provided, single submitter. Criteria: Ambry Variant Classification Scheme 2023. Collection method: clinical testing. Allele origin: germline.

Labcorp Genetics (formerly Invitae), Labcorp
Classification: Uncertain significance. Last evaluated: 2023-10-13. Review status: criteria provided, single submitter. Criteria: Invitae Variant Classification Sherloc (09022015). Collection method: clinical testing. Allele origin: germline.
Comment: This sequence change replaces lysine, which is basic and polar, with glutamic acid, which is acidic and polar, at codon 1718 of the CEP250 protein (p.Lys1718Glu). This variant is not present in population databases (gnomAD no frequency). This variant has not been reported in the literature in individuals affected with CEP250-related conditions. ClinVar contains an entry for this variant (Variation ID: 1018233). An algorithm developed to predict the effect of missense changes on protein structure and function (PolyPhen-2) suggests that this variant is likely to be disruptive. In summary, the available evidence is currently insufficient to determine the role of this variant in disease. Therefore, it has been classified as a Variant of Uncertain Significance.